The following is an entry in ClinVar:

NM_000376.3(VDR):c.238C>T (p.Arg80Trp)

Gene: VDR (vitamin D receptor; minus strand). Cytogenetic location: 12q13.11.
Variant type: single nucleotide variant.
Coding change: c.238C>T on transcript NM_000376.3 (MANE Select); coding-DNA position 238, C replaced by T.
Protein change: p.Arg80Trp; replaces arginine 80 with tryptophan.
Molecular consequence: missense variant.
Genome position (GRCh38, 1-based): chr12:47,865,086, G>A on the plus strand (C>T on the coding strand, the complement: VDR is on the minus strand). VCF-style: chr12-47865086-G-A. GRCh37 (hg19) VCF-style: chr12-48258869-G-A.
Other names: c.238C>T, p.Arg80Trp (NM_001017535.2, NM_001364085.2, NM_001374661.1 and 1 more transcripts); c.388C>T, p.Arg130Trp (NM_001017536.2); short protein forms R130W, R80W.
Identifiers: ClinVar variation 4753249 (VCV004753249.1).

ClinVar aggregate classification (germline): Likely pathogenic (1 of 4 stars; one submission).

gnomAD v4.1: 3 of 1,613,934 alleles (0.00019%); highest among the groups gnomAD compares: Non-Finnish European, 0.00025%; no homozygotes.

Submission:

Labcorp Genetics (formerly Invitae), Labcorp
Classification: Likely pathogenic. Last evaluated: 2025-12-10. Review status: criteria provided, single submitter. Criteria: Invitae Variant Classification Sherloc (09022015). Collection method: clinical testing. Allele origin: germline.
Comment: This sequence change replaces arginine, which is basic and polar, with tryptophan, which is neutral and slightly polar, at codon 80 of the VDR protein (p.Arg80Trp). This variant is not present in population databases (gnomAD no frequency). This missense change has been observed in individual(s) with vitamin D-dependent rickets (PMID: 34093587). Invitae Evidence Modeling of protein sequence and biophysical properties (such as structural, functional, and spatial information, amino acid conservation, physicochemical variation, residue mobility, and thermodynamic stability) indicates that this missense variant is expected to disrupt VDR protein function with a positive predictive value of 80%. This variant disrupts the p.Arg80 amino acid residue in VDR. Other variant(s) that disrupt this residue have been determined to be pathogenic (PMID: 2177843). This suggests that this residue is clinically significant, and that variants that disrupt this residue are likely to be disease-causing. In summary, the currently available evidence indicates that the variant is pathogenic, but additional data are needed to prove that conclusively. Therefore, this variant has been classified as Likely Pathogenic.

Literature cited by the submitters: PubMed 34093587; PubMed 2177843.